The following is an entry in ClinVar:

ClinVar aggregate classification (germline): Uncertain significance (1 of 4 stars; one submission).

Conditions:
Brugada syndrome 8 (BRGDA8). Identifiers: Orphanet 130, MedGen C2751083, MONDO:0013148, OMIM 613123.

Submission:

Labcorp Genetics (formerly Invitae), Labcorp
Classification: Uncertain significance for Brugada syndrome 8. Last evaluated: 2025-09-22. Review status: criteria provided, single submitter. Criteria: Invitae Variant Classification Sherloc (09022015). Collection method: clinical testing. Allele origin: germline.
Comment: This sequence change replaces methionine, which is neutral and non-polar, with valine, which is neutral and non-polar, at codon 8 of the HCN4 protein (p.Met8Val). This variant is not present in population databases (gnomAD no frequency). This variant has not been reported in the literature in individuals affected with HCN4-related conditions. ClinVar contains an entry for this variant (Variation ID: 2194327). Invitae Evidence Modeling of protein sequence and biophysical properties (such as structural, functional, and spatial information, amino acid conservation, physicochemical variation, residue mobility, and thermodynamic stability) indicates that this missense variant is expected to disrupt HCN4 protein function with a positive predictive value of 95%. In summary, the available evidence is currently insufficient to determine the role of this variant in disease. Therefore, it has been classified as a Variant of Uncertain Significance.

NM_005477.3(HCN4):c.22A>G (p.Met8Val)

Gene: HCN4 (hyperpolarization activated cyclic nucleotide gated potassium channel 4; minus strand). Cytogenetic location: 15q24.1.
Variant type: single nucleotide variant.
Coding change: c.22A>G on transcript NM_005477.3 (MANE Select); coding-DNA position 22, A replaced by G.
Protein change: p.Met8Val; replaces methionine 8 with valine.
Molecular consequence: missense variant.
Genome position (GRCh38, 1-based): chr15:73,368,249, T>C on the plus strand (A>G on the coding strand, the complement: HCN4 is on the minus strand). VCF-style: chr15-73368249-T-C. GRCh37 (hg19) VCF-style: chr15-73660590-T-C.
Other names: short protein forms M8V.
Identifiers: ClinVar variation 2194327 (VCV002194327.2), dbSNP rs1595837779, ClinGen allele CA393099257.